The following is an entry in ClinVar:

ClinVar aggregate classification (germline): Benign/Likely benign. Review status: criteria provided, multiple submitters, no conflicts (2 of 4 stars). 4 submissions from 4 submitters: Benign (2); Likely benign (1). 1 of the submissions does not count toward it. Last evaluated 2026-01-18.

Conditions:
PCLO-related disorder. Also called: PCLO-related condition.

Allele frequency attached by ClinVar (database versions not stated): TOPMed 0.00181; gnomAD exomes 0.00040; ExAC 0.00047; 1000 Genomes Project 30x 0.00109; 1000 Genomes Project 0.00120; gnomAD 0.00164 and 0.00173; ESP Exome Variant Server 0.00180.
gnomAD v4.1: 471 of 1,612,846 alleles (0.029%); highest among the groups gnomAD compares: African/African-American, 0.55%; 4 homozygotes.

Submissions (4):

Labcorp Genetics (formerly Invitae), Labcorp
Classification: Benign. Last evaluated: 2026-01-18. Review status: criteria provided, single submitter. Criteria: Invitae Variant Classification Sherloc (09022015). Collection method: clinical testing. Allele origin: germline.

CeGaT Center for Human Genetics Tuebingen
Classification: Likely benign. Last evaluated: 2026-01-01. Review status: criteria provided, single submitter. Criteria: CeGaT Center For Human Genetics Tuebingen Variant Classification Criteria Version 2. Collection method: clinical testing. Allele origin: germline. Affected: yes. Observed: 1 variant allele.
Comment: PCLO: BP4, BP7

Breakthrough Genomics
Classification: Benign. Review status: criteria provided, single submitter. Criteria: ACMG Guidelines, 2015. Collection method: not provided. Allele origin: germline. Inheritance: Autosomal recessive inheritance. Affected: yes.

PreventionGenetics, part of Exact Sciences
Classification: Likely benign for PCLO-related condition. Last evaluated: 2020-01-20. Review status: no assertion criteria provided. Collection method: clinical testing. Allele origin: germline. Not counted in ClinVar's aggregate classification.
Comment: This variant is classified as likely benign based on ACMG/AMP sequence variant interpretation guidelines (Richards et al. 2015 PMID: 25741868, with internal and published modifications).

NM_033026.6(PCLO):c.12180G>A (p.Ala4060=)

Gene: PCLO (piccolo presynaptic cytomatrix protein; minus strand). Cytogenetic location: 7q21.11.
Variant type: single nucleotide variant.
Coding change: c.12180G>A on transcript NM_033026.6 (MANE Select); coding-DNA position 12180, G replaced by A.
Protein change: p.Ala4060=; no amino-acid change (alanine 4060 retained).
Molecular consequence: synonymous variant.
Genome position (GRCh38, 1-based): chr7:82,915,806, C>T on the plus strand (G>A on the coding strand, the complement: PCLO is on the minus strand). VCF-style: chr7-82915806-C-T. GRCh37 (hg19) VCF-style: chr7-82545122-C-T.
Other names: c.12180G>A, p.Ala4060= (NM_014510.3); c.12180G>A (NM_033026.5).
Identifiers: ClinVar variation 1164759 (VCV001164759.16), dbSNP rs188588679, ClinGen allele CA4319422.